The following is an entry in ClinVar:

ClinVar aggregate classification (germline): Conflicting classifications of pathogenicity. Review status: criteria provided, conflicting classifications (1 of 4 stars). 6 submissions from 6 submitters: Uncertain significance (1); Benign (3); Likely benign (1). 1 of the submissions does not count toward it. Last evaluated 2026-02-03.

Conditions:
HCN4-related disorder. Also called: HCN4-related condition.
Brugada syndrome 8 (BRGDA8). Identifiers: Orphanet 130, MedGen C2751083, MONDO:0013148, OMIM 613123.
Sick sinus syndrome 2, autosomal dominant (SSS2). Also called: SICK SINUS SYNDROME 2; SICK SINUS SYNDROME 2 WITH OR WITHOUT CARDIAC NONCOMPACTION AND/OR ASCENDING AORTA DILATION; ATRIAL FIBRILLATION WITH BRADYARRHYTHMIA; SINUS BRADYCARDIA SYNDROME, FAMILIAL, AUTOSOMAL DOMINANT; SINUS NODE DISEASE, FAMILIAL, AUTOSOMAL DOMINANT. Identifiers: Orphanet 166282, MedGen C1834144, MONDO:0008102, OMIM 163800.
Epilepsy, idiopathic generalized, susceptibility to, 18. Identifiers: MedGen C5561983, MONDO:0030434, OMIM 619521.
Cardiovascular phenotype. Identifiers: MedGen CN230736.
Congestive heart failure. Identifiers: MedGen C0018802, MONDO:0005009, HP:0001635.

Allele frequency attached by ClinVar (database versions not stated): gnomAD 0.00007; gnomAD exomes 0.00010 and 0.00052; 1000 Genomes Project 0.00020; 1000 Genomes Project 30x 0.00031; TOPMed 0.00040; ExAC 0.00051.

Submissions (6):

Labcorp Genetics (formerly Invitae), Labcorp
Classification: Benign for Brugada syndrome 8. Last evaluated: 2026-02-03. Review status: criteria provided, single submitter. Criteria: Invitae Variant Classification Sherloc (09022015). Collection method: clinical testing. Allele origin: germline.

Athena Diagnostics
Classification: Benign. Last evaluated: 2024-09-24. Review status: criteria provided, single submitter. Criteria: Athena Diagnostics Criteria. Collection method: clinical testing. Allele origin: unknown.

Ambry Genetics
Classification: Likely benign for Cardiovascular phenotype. Last evaluated: 2019-08-16. Review status: criteria provided, single submitter. Criteria: Ambry Variant Classification Scheme 2023. Collection method: clinical testing. Allele origin: germline.

Center for Advanced Laboratory Medicine, UC San Diego Health, University of California San Diego
Classification: Benign for Congestive heart failure. Last evaluated: 2019-04-09. Review status: criteria provided, single submitter. Criteria: ACMG Guidelines, 2015. Collection method: clinical testing. Allele origin: germline. Affected: yes. Observed: 1 variant allele.

Center for Genomics, Ann and Robert H. Lurie Children's Hospital of Chicago
Classification: Uncertain significance for Sick sinus syndrome 2, autosomal dominant; Epilepsy, idiopathic generalized, susceptibility to, 18; Brugada syndrome 8. Review status: criteria provided, single submitter. Criteria: ACMG Guidelines, 2015. Collection method: clinical testing. Allele origin: germline.
Comment: HCN4 NM_005477.2 exon 3 p.Val415Met (c.1243G>A): This variant has not been reported in the literature but is present in 0.3% (133/35436) of Latino alleles in the Genome Aggregation Database. This variant is present in ClinVar (Variation ID:412788). Evolutionary conservation and computational predictive tools for this variant are unclear. In summary, data on this variant is insufficient for disease classification. Therefore, the clinical significance of this variant is uncertain.

PreventionGenetics, part of Exact Sciences
Classification: Benign for HCN4-related condition. Last evaluated: 2021-04-10. Review status: no assertion criteria provided. Collection method: clinical testing. Allele origin: germline. Not counted in ClinVar's aggregate classification.
Comment: This variant is classified as benign based on ACMG/AMP sequence variant interpretation guidelines (Richards et al. 2015 PMID: 25741868, with internal and published modifications).

NM_005477.3(HCN4):c.1243G>A (p.Val415Met)

Gene: HCN4 (hyperpolarization activated cyclic nucleotide gated potassium channel 4; minus strand). Cytogenetic location: 15q24.1.
Variant type: single nucleotide variant.
Coding change: c.1243G>A on transcript NM_005477.3 (MANE Select); coding-DNA position 1243, G replaced by A.
Protein change: p.Val415Met; replaces valine 415 with methionine.
Molecular consequence: missense variant.
Genome position (GRCh38, 1-based): chr15:73,332,259, C>T on the plus strand (G>A on the coding strand, the complement: HCN4 is on the minus strand). VCF-style: chr15-73332259-C-T. GRCh37 (hg19) VCF-style: chr15-73624600-C-T.
Other names: short protein forms V415M.
Identifiers: ClinVar variation 412788 (VCV000412788.19), dbSNP rs201978086, ClinGen allele CA7649338.